The following is an entry in ClinVar:

ClinVar aggregate classification (germline): Likely benign. Review status: criteria provided, single submitter (1 of 4 stars). 2 submissions from 2 submitters: Likely benign (1). 1 of the submissions does not count toward it. Last evaluated 2023-03-01.

Conditions:
CASP9-related disorder. Also called: CASP9-related condition.

Allele frequency attached by ClinVar (database versions not stated): 1000 Genomes Project 30x 0.00016; 1000 Genomes Project 0.00020; ExAC 0.00147; gnomAD 0.00150; TOPMed 0.00211; ESP Exome Variant Server 0.00231; gnomAD exomes 0.00235.
gnomAD v4.1: 3,662 of 1,613,814 alleles (0.23%); highest among the groups gnomAD compares: Non-Finnish European, 0.29%; 8 homozygotes.

Submissions (2):

CeGaT Center for Human Genetics Tuebingen
Classification: Likely benign. Last evaluated: 2023-03-01. Review status: criteria provided, single submitter. Criteria: CeGaT Center For Human Genetics Tuebingen Variant Classification Criteria Version 2. Collection method: clinical testing. Allele origin: germline. Affected: yes. Observed: 1 variant allele.
Comment: CASP9: BP4, BP7

PreventionGenetics, part of Exact Sciences
Classification: Likely benign for CASP9-related condition. Last evaluated: 2019-03-06. Review status: no assertion criteria provided. Collection method: clinical testing. Allele origin: germline. Not counted in ClinVar's aggregate classification.
Comment: This variant is classified as likely benign based on ACMG/AMP sequence variant interpretation guidelines (Richards et al. 2015 PMID: 25741868, with internal and published modifications).

NM_001229.5(CASP9):c.711C>T (p.His237=)

Gene: CASP9 (caspase 9; minus strand). Cytogenetic location: 1p36.21.
Variant type: single nucleotide variant.
Coding change: c.711C>T on transcript NM_001229.5 (MANE Select); coding-DNA position 711, C replaced by T.
Protein change: p.His237=; no amino-acid change (histidine 237 retained).
Molecular consequence: synonymous variant. On other transcripts: non-coding transcript variant (2), intron variant (1).
Genome position (GRCh38, 1-based): chr1:15,505,999, G>A on the plus strand (C>T on the coding strand, the complement: CASP9 is on the minus strand). VCF-style: chr1-15505999-G-A. GRCh37 (hg19) VCF-style: chr1-15832494-G-A.
Other names: c.711C>T (NM_001229.4); c.462C>T, p.His154= (NM_032996.3); c.419-10547C>T (NM_001278054.2).
Identifiers: ClinVar variation 2638292 (VCV002638292.25), dbSNP rs145320383, ClinGen allele CA614487.